The following is an entry in ClinVar:

NM_001080.3(ALDH5A1):c.1607A>T (p.Ter536Leu)

Gene: ALDH5A1 (aldehyde dehydrogenase 5 family member A1; plus strand). Cytogenetic location: 6p22.3.
Variant type: single nucleotide variant.
Coding change: c.1607A>T on transcript NM_001080.3 (MANE Select); coding-DNA position 1607, A replaced by T.
Protein change: p.Ter536Leu.
Molecular consequence: stop lost.
Genome position (GRCh38, 1-based): chr6:24,533,711, A>T. VCF-style: chr6-24533711-A-T. GRCh37 (hg19) VCF-style: chr6-24533939-A-T.
Other names: *488L; *536L; *549L; c.1463A>T, p.Ter488Leu (NM_001368954.1); c.1646A>T, p.Ter549Leu (NM_170740.1).
Identifiers: ClinVar variation 642367 (VCV000642367.5), dbSNP rs1338198433, ClinGen allele CA362968016.

ClinVar aggregate classification (germline): Uncertain significance (1 of 4 stars; one submission).

Conditions:
Succinate-semialdehyde dehydrogenase deficiency (SSADHD). Also called: SSADH DEFICIENCY; 4-HYDROXYBUTYRIC ACIDURIA; GABA METABOLIC DEFECT; Succinic Semialdehyde Dehydrogenase Deficiency. Identifiers: Orphanet 22, MedGen C0268631, MONDO:0010083, OMIM 271980.

Allele frequency attached by ClinVar (database versions not stated): gnomAD exomes below 0.00001.
gnomAD v4.1: 7 of 1,613,990 alleles (0.00043%); highest among the groups gnomAD compares: Non-Finnish European, 0.00059%; no homozygotes.

Submission:

Labcorp Genetics (formerly Invitae), Labcorp
Classification: Uncertain significance for Succinate-semialdehyde dehydrogenase deficiency. Last evaluated: 2023-11-01. Review status: criteria provided, single submitter. Criteria: Invitae Variant Classification Sherloc (09022015). Collection method: clinical testing. Allele origin: germline.
Comment: This sequence change disrupts the translational stop signal of the ALDH5A1 mRNA. It is expected to extend the length of the ALDH5A1 protein by 6 additional amino acid residues. This variant is present in population databases (no rsID available, gnomAD 0.0009%). This variant has not been reported in the literature in individuals affected with ALDH5A1-related conditions. ClinVar contains an entry for this variant (Variation ID: 642367). In summary, the available evidence is currently insufficient to determine the role of this variant in disease. Therefore, it has been classified as a Variant of Uncertain Significance.